The following is an entry in ClinVar:

ClinVar aggregate classification (germline): Uncertain significance (1 of 4 stars; one submission).

Conditions:
Dilated cardiomyopathy 1W (CMD1W). Identifiers: Orphanet 154, MedGen C1969639, MONDO:0012667, OMIM 611407.

Submission:

Labcorp Genetics (formerly Invitae), Labcorp
Classification: Uncertain significance for Dilated cardiomyopathy 1W. Last evaluated: 2022-07-13. Review status: criteria provided, single submitter. Criteria: Invitae Variant Classification Sherloc (09022015). Collection method: clinical testing. Allele origin: germline.
Comment: This variant results in a copy number gain of the genomic region encompassing exon(s) 3-22 of the VCL gene. This region includes the termination codon of the gene. This copy number gain extends beyond the assayed region for this gene and therefore may encompass additional genes. As the precise location of this event is unknown, it may be in tandem or it may be located elsewhere in the genome. In summary, the available evidence is currently insufficient to determine the role of this variant in disease. Therefore, it has been classified as a Variant of Uncertain Significance. Experimental studies and prediction algorithms are not available or were not evaluated, and the functional significance of this variant is currently unknown. This variant has not been reported in the literature in individuals affected with VCL-related conditions.

NC_000010.10:g.(?_75830408)_(75877927_?)dup

Gene: VCL (vinculin; plus strand). Cytogenetic location: 10q22.2.
Variant type: Duplication.
Identifiers: ClinVar variation 2425879 (VCV002425879.4).